The following is an entry in ClinVar:

ClinVar aggregate classification (germline): Uncertain significance (1 of 4 stars; one submission).

Conditions:
Phenylketonuria (PKU). Also called: Phenylketonuria (PKU); OLIGOPHRENIA PHENYLPYRUVICA; FOLLING DISEASE; Phenylketonurias. Identifiers: Orphanet 716, MedGen C0031485, MONDO:0009861, OMIM 261600. Disease mechanism: loss of function.

Allele frequency attached by ClinVar (database versions not stated): ESP Exome Variant Server 0.00008.
gnomAD v4.1: 8 of 1,613,744 alleles (0.0005%); highest among the groups gnomAD compares: East Asian, 0.0045%; no homozygotes.

Submission:

Labcorp Genetics (formerly Invitae), Labcorp
Classification: Uncertain significance for Phenylketonuria. Last evaluated: 2024-10-17. Review status: criteria provided, single submitter. Criteria: Invitae Variant Classification Sherloc (09022015). Collection method: clinical testing. Allele origin: germline.
Comment: This sequence change replaces alanine, which is neutral and non-polar, with valine, which is neutral and non-polar, at codon 140 of the PAH protein (p.Ala140Val). This variant is present in population databases (rs372657268, gnomAD 0.007%). This variant has not been reported in the literature in individuals affected with PAH-related conditions. ClinVar contains an entry for this variant (Variation ID: 2173312). Invitae Evidence Modeling of protein sequence and biophysical properties (such as structural, functional, and spatial information, amino acid conservation, physicochemical variation, residue mobility, and thermodynamic stability) indicates that this missense variant is not expected to disrupt PAH protein function with a negative predictive value of 80%. In summary, the available evidence is currently insufficient to determine the role of this variant in disease. Therefore, it has been classified as a Variant of Uncertain Significance.

NM_000277.3(PAH):c.419C>T (p.Ala140Val)

Gene: PAH (phenylalanine hydroxylase; minus strand). Cytogenetic location: 12q23.2.
Variant type: single nucleotide variant.
Coding change: c.419C>T on transcript NM_000277.3 (MANE Select); coding-DNA position 419, C replaced by T.
Protein change: p.Ala140Val; replaces alanine 140 with valine.
Molecular consequence: missense variant.
Genome position (GRCh38, 1-based): chr12:102,877,484, G>A on the plus strand (C>T on the coding strand, the complement: PAH is on the minus strand). VCF-style: chr12-102877484-G-A. GRCh37 (hg19) VCF-style: chr12-103271262-G-A.
Other names: c.419C>T, p.Ala140Val (NM_001354304.2); short protein forms A140V.
Identifiers: ClinVar variation 2173312 (VCV002173312.2), dbSNP rs372657268, ClinGen allele CA6748960.